The following is an entry in ClinVar:

NC_000001.10:g.(?_220267559)_(220269588_?)del

Gene: IARS2 (isoleucyl-tRNA synthetase 2, mitochondrial; plus strand). Cytogenetic location: 1q41.
Variant type: Deletion.
Identifiers: ClinVar variation 3248008 (VCV003248008.1).

ClinVar aggregate classification (germline): Pathogenic (1 of 4 stars; one submission).

Submission:

Labcorp Genetics (formerly Invitae), Labcorp
Classification: Pathogenic. Last evaluated: 2023-05-01. Review status: criteria provided, single submitter. Criteria: Invitae Variant Classification Sherloc (09022015). Collection method: clinical testing. Allele origin: unknown.
Comment: For these reasons, this variant has been classified as Pathogenic. This variant has not been reported in the literature in individuals affected with IARS2-related conditions. This variant is a gross deletion of the genomic region encompassing exon(s) 1-2 of the IARS2 gene, which includes the initiator codon. This deletion extends beyond the assayed region for this gene and therefore may encompass additional genes. It is expected to result in an absent or disrupted protein product. Loss-of-function variants in IARS2 are known to be pathogenic (PMID: 33327715).

Literature cited by the submitters: PubMed 33327715.